The following is an entry in ClinVar:

ClinVar aggregate classification (germline): Likely benign. Review status: criteria provided, single submitter (1 of 4 stars). 2 submissions from 2 submitters: Likely benign (1). 1 of the submissions does not count toward it. Last evaluated 2023-03-23.

Conditions:
Familial cancer of breast. Also called: BREAST CANCER, FAMILIAL; Hereditary breast cancer; hereditary breast carcinoma. Identifiers: Orphanet 227535, MedGen C0346153, MONDO:0016419, OMIM 114480. Disease mechanism: loss of function.
Hereditary cancer-predisposing syndrome. Also called: Neoplastic Syndromes, Hereditary; Hereditary neoplastic syndrome; Tumor predisposition; Hereditary Cancer Syndrome. Identifiers: Orphanet 140162, MedGen C0027672, MeSH D009386, MONDO:0015356.

Submissions (2):

University of Washington Department of Laboratory Medicine, University of Washington
Classification: Likely benign for Hereditary cancer-predisposing syndrome. Last evaluated: 2023-03-23. Review status: criteria provided, single submitter. Criteria: Dines et al. (Genet Med. 2020). Collection method: curation. Allele origin: germline.
Comment: Missense variant in a coldspot region where missense variants are very unlikely to be pathogenic (PMID:31911673).

BRCA1 coldspot (exon 11 using historical exon numbering). Reclassification based on statistical prior probability

ClinVar Staff, National Center for Biotechnology Information (NCBI)
No classification provided. Condition: Familial cancer of breast. Review status: no classification provided. Collection method: literature only. Allele origin: germline. Affected: yes. Not counted in ClinVar's aggregate classification.

Literature cited by the submitters: PubMed 9609997 (cited by ClinVar Staff, National Center for Biotechnology Information (NCBI)).

NM_007294.4(BRCA1):c.3140T>C (p.Val1047Ala)

Gene: BRCA1 (BRCA1 DNA repair associated; minus strand). Cytogenetic location: 17q21.31.
Variant type: single nucleotide variant.
Coding change: c.3140T>C on transcript NM_007294.4 (MANE Select); coding-DNA position 3140, T replaced by C.
Protein change: p.Val1047Ala; replaces valine 1047 with alanine.
Molecular consequence: missense variant. On other transcripts: intron variant (137).
Genome position (GRCh38, 1-based): chr17:43,092,391, A>G on the plus strand (T>C on the coding strand, the complement: BRCA1 is on the minus strand). VCF-style: chr17-43092391-A-G. GRCh37 (hg19) VCF-style: chr17-41244408-A-G.
Other names: c.3140T>C, p.Val1047Ala (NM_001407603.1, NM_001407605.1, NM_001407616.1 and 30 more transcripts); c.3137T>C, p.Val1046Ala (NM_001407610.1, NM_001407611.1, NM_001407612.1 and 22 more transcripts); c.3131T>C, p.Val1044Ala (NM_001407646.1, NM_001407647.1); c.3017T>C, p.Val1006Ala (NM_001407648.1, NM_001407664.1, NM_001407665.1 and 19 more transcripts); c.3014T>C, p.Val1005Ala (NM_001407649.1, NM_001407670.1, NM_001407671.1 and 11 more transcripts); c.2927T>C, p.Val976Ala (NM_001407571.1, NM_001407853.1, NM_001407894.1 and 9 more transcripts); c.3062T>C, p.Val1021Ala (NM_001407653.1, NM_001407654.1, NM_001407655.1 and 4 more transcripts); c.3059T>C, p.Val1020Ala (NM_001407659.1, NM_001407660.1, NM_001407661.1 and 1 more transcripts); and 41 more; short protein forms V1047A, V1000A, V936A, V979A, V1006A, V1046A, V919A, V976A.
Identifiers: ClinVar variation 54775 (VCV000054775.4), dbSNP rs397509037, ClinGen allele CA002047.
Genomic context (GRCh38, chr17:43,092,391, plus strand): 5'-TTTTCATCACTGGAACCTATTTCATTAATACTGGAGCCCACTTCATTAGTACTGGAACCT[A>G]CTTCATTAATATTGCTTGAGCTGGCTTCTTTAAAAACATTTTCTCTAATGTTATTACGGC-3'
Protein context (NP_009225.1, residues 1037-1057): KEASSSNINE[Val1047Ala]GSSTNEVGSS